The following is an entry in ClinVar:

NM_001083961.2(WDR62):c.1372-1G>T

Gene: WDR62 (WD repeat domain 62; plus strand). Cytogenetic location: 19q13.12.
Variant type: single nucleotide variant.
Coding change: c.1372-1G>T on transcript NM_001083961.2 (MANE Select); the canonical splice acceptor site of the intron before coding-DNA position 1372, G replaced by T.
Molecular consequence: splice acceptor variant.
Genome position (GRCh38, 1-based): chr19:36,083,062, G>T. VCF-style: chr19-36083062-G-T. GRCh37 (hg19) VCF-style: chr19-36573964-G-T.
Other names: c.1372-1G>T (NM_173636.5, NM_001411146.1); c.1357-1G>T (NM_001411145.1); c.1021-1G>T (NM_001411147.1).
Identifiers: ClinVar variation 3731281 (VCV003731281.1).

ClinVar aggregate classification (germline): Likely pathogenic (1 of 4 stars; one submission).

Conditions:
Microcephaly 2, primary, autosomal recessive, with or without cortical malformations. Also called: WDR62 Primary Microcephaly; MICROCEPHALY 2, PRIMARY, AUTOSOMAL RECESSIVE, WITH CORTICAL MALFORMATIONS. Identifiers: Orphanet 2512, MedGen C1858535, MONDO:0011435, OMIM 604317.

Submission:

Neuberg Centre For Genomic Medicine, NCGM
Classification: Likely pathogenic for Microcephaly 2, primary, autosomal recessive, with or without cortical malformations. Last evaluated: 2023-06-22. Review status: criteria provided, single submitter. Criteria: ACMG Guidelines, 2015. Collection method: clinical testing. Allele origin: germline. Inheritance: Autosomal recessive inheritance. Affected: yes.
Comment: The invariant splice acceptor c.1372-1G>T variant in WDR62 gene has not been reported previously as a pathogenic variant nor as a benign variant, to our knowledge. The c.1372-1G>T variant is absent in gnomAD Exomes. This variant has not been submitted to the ClinVar database. SpliceAI predicts this variant to be damaging . Loss of function variants in WDR62 have been previously reported to be pathogenic (Bilgüvar K, et al., 2010). However, additional functional studies will be required to prove the pathogenicity of this variant. For these reasons, this variant has been classified as Likely Pathogenic. In absence of another reportable variant in WDR62 gene, the molecular diagnosis is not confirmed.